The following is an entry in ClinVar:

NM_002519.3(NPAT):c.3949A>G (p.Ser1317Gly)

Gene: NPAT (nuclear protein, coactivator of histone transcription; minus strand). Cytogenetic location: 11q22.3.
Variant type: single nucleotide variant.
Coding change: c.3949A>G on transcript NM_002519.3 (MANE Select); coding-DNA position 3949, A replaced by G.
Protein change: p.Ser1317Gly; replaces serine 1317 with glycine.
Molecular consequence: missense variant.
Genome position (GRCh38, 1-based): chr11:108,161,137, T>C on the plus strand (A>G on the coding strand, the complement: NPAT is on the minus strand). VCF-style: chr11-108161137-T-C. GRCh37 (hg19) VCF-style: chr11-108031864-T-C.
Other names: c.3970A>G, p.Ser1324Gly (NM_001321307.1); short protein forms S1317G, S1324G.
Identifiers: ClinVar variation 4722770 (VCV004722770.1).

ClinVar aggregate classification (germline): Uncertain significance (1 of 4 stars; one submission).

Submission:

Labcorp Genetics (formerly Invitae), Labcorp
Classification: Uncertain significance. Last evaluated: 2025-07-08. Review status: criteria provided, single submitter. Criteria: Invitae Variant Classification Sherloc (09022015). Collection method: clinical testing. Allele origin: germline.
Comment: This sequence change replaces serine, which is neutral and polar, with glycine, which is neutral and non-polar, at codon 1317 of the NPAT protein (p.Ser1317Gly). This variant is not present in population databases (gnomAD no frequency). This variant has not been reported in the literature in individuals affected with NPAT-related conditions. An algorithm developed to predict the effect of missense changes on protein structure and function (PolyPhen-2) suggests that this variant is likely to be disruptive. In summary, the available evidence is currently insufficient to determine the role of this variant in disease. Therefore, it has been classified as a Variant of Uncertain Significance.